The following is an entry in ClinVar:

ClinVar aggregate classification (germline): Uncertain significance (1 of 4 stars; one submission).

Submission:

Labcorp Genetics (formerly Invitae), Labcorp
Classification: Uncertain significance. Last evaluated: 2022-06-09. Review status: criteria provided, single submitter. Criteria: Invitae Variant Classification Sherloc (09022015). Collection method: clinical testing. Allele origin: germline.
Comment: This variant, c.2382_2384del, results in the deletion of 1 amino acid(s) of the MTTP protein (p.Ser795del), but otherwise preserves the integrity of the reading frame. This variant is not present in population databases (gnomAD no frequency). This variant has not been reported in the literature in individuals affected with MTTP-related conditions. Experimental studies and prediction algorithms are not available or were not evaluated, and the functional significance of this variant is currently unknown. In summary, the available evidence is currently insufficient to determine the role of this variant in disease. Therefore, it has been classified as a Variant of Uncertain Significance.

NM_001386140.1(MTTP):c.2379CTC[1] (p.Ser795del)

Gene: MTTP (microsomal triglyceride transfer protein; plus strand). Cytogenetic location: 4q23.
Variant type: Microsatellite.
Coding change: c.2379CTC[1] on transcript NM_001386140.1 (MANE Select); one copy of the 3-base unit CTC starting at c.2379; the reference has two copies in a row; one copy, 3 bases deleted.
Protein change: p.Ser795del; deletes serine 795.
Molecular consequence: inframe deletion.
Genome position (GRCh38, 1-based): chr4:99,621,100-99,621,102, CTC deleted; deleting any 3 consecutive bases within chr4:99,621,097-99,621,102 gives the same sequence; the position shown is the placement nearest the transcript's 3' end. VCF-style (leftmost placement, unchanged base first): chr4-99621096-ACTC-A. GRCh37 (hg19) VCF-style: chr4-100542253-ACTC-A.
Other names: c.2379CTC[1], p.Ser795del (NM_000253.4); c.2130CTC[1], p.Ser712del (NM_001300785.2); short protein forms S712del, S795del.
Identifiers: ClinVar variation 2112446 (VCV002112446.1), dbSNP rs2476161687, ClinGen allele CA2580616122.